The following is an entry in ClinVar:

NM_001999.4(FBN2):c.205G>T (p.Ala69Ser)

Gene: FBN2 (fibrillin 2; minus strand). Cytogenetic location: 5q23.3.
Variant type: single nucleotide variant.
Coding change: c.205G>T on transcript NM_001999.4 (MANE Select); coding-DNA position 205, G replaced by T.
Protein change: p.Ala69Ser; replaces alanine 69 with serine.
Molecular consequence: missense variant.
Genome position (GRCh38, 1-based): chr5:128,537,399, C>A on the plus strand (G>T on the coding strand, the complement: FBN2 is on the minus strand). VCF-style: chr5-128537399-C-A. GRCh37 (hg19) VCF-style: chr5-127873092-C-A.
Other names: c.205G>T (NM_001999.3); short protein forms A69S.
Identifiers: ClinVar variation 3624240 (VCV003624240.4).

ClinVar aggregate classification (germline): Uncertain significance. Review status: criteria provided, multiple submitters, no conflicts (2 of 4 stars). 3 submissions from 3 submitters: Uncertain significance (3). Last evaluated 2026-01-24.

Conditions:
Familial thoracic aortic aneurysm and aortic dissection (TAAD). Also called: Thoracic aortic aneurysms and dissections. Identifiers: Orphanet 91387, MedGen C4707243, MONDO:0019625.
Congenital contractural arachnodactyly (CCA). Also called: BEALS SYNDROME; Beals-Hecht syndrome; Arthrogryposis, distal, type 9. Identifiers: Orphanet 115, MedGen C0220668, MONDO:0007363, OMIM 121050.

gnomAD v4.1: 3 of 1,610,236 alleles (0.00019%); highest among the groups gnomAD compares: Non-Finnish European, 0.00025%; no homozygotes.

Submissions (3):

Ambry Genetics
Classification: Uncertain significance for Familial thoracic aortic aneurysm and aortic dissection. Last evaluated: 2026-01-24. Review status: criteria provided, single submitter. Criteria: Ambry Variant Classification Scheme 2023. Collection method: clinical testing. Allele origin: germline.
Comment: The p.A69S variant (also known as c.205G>T), located in coding exon 1 of the FBN2 gene, results from a G to T substitution at nucleotide position 205. The alanine at codon 69 is replaced by serine, an amino acid with similar properties. This amino acid position is conserved. In addition, this alteration is predicted to be tolerated by in silico analysis. Based on the available evidence, the clinical significance of this variant remains unclear.

GeneDx
Classification: Uncertain significance. Last evaluated: 2025-06-10. Review status: criteria provided, single submitter. Criteria: GeneDx Variant Classification Process June 2021. Collection method: clinical testing. Allele origin: germline. Affected: yes.
Comment: Not observed at significant frequency in large population cohorts (gnomAD); In silico analysis suggests that this missense variant does not alter protein structure/function; Has not been previously published as pathogenic or benign to our knowledge

Labcorp Genetics (formerly Invitae), Labcorp
Classification: Uncertain significance for Congenital contractural arachnodactyly. Last evaluated: 2024-07-15. Review status: criteria provided, single submitter. Criteria: Invitae Variant Classification Sherloc (09022015). Collection method: clinical testing. Allele origin: germline.
Comment: This sequence change replaces alanine, which is neutral and non-polar, with serine, which is neutral and polar, at codon 69 of the FBN2 protein (p.Ala69Ser). This variant is not present in population databases (gnomAD no frequency). This variant has not been reported in the literature in individuals affected with FBN2-related conditions. Advanced modeling of protein sequence and biophysical properties (such as structural, functional, and spatial information, amino acid conservation, physicochemical variation, residue mobility, and thermodynamic stability) performed at Invitae indicates that this missense variant is not expected to disrupt FBN2 protein function with a negative predictive value of 80%. In summary, the available evidence is currently insufficient to determine the role of this variant in disease. Therefore, it has been classified as a Variant of Uncertain Significance.